The following is an entry in ClinVar:

NM_004035.7(ACOX1):c.1468C>G (p.Arg490Gly)

Gene: ACOX1 (acyl-CoA oxidase 1; minus strand). Cytogenetic location: 17q25.1.
Variant type: single nucleotide variant.
Coding change: c.1468C>G on transcript NM_004035.7 (MANE Select); coding-DNA position 1468, C replaced by G.
Protein change: p.Arg490Gly; replaces arginine 490 with glycine.
Molecular consequence: missense variant.
Genome position (GRCh38, 1-based): chr17:75,949,728, G>C on the plus strand (C>G on the coding strand, the complement: ACOX1 is on the minus strand). VCF-style: chr17-75949728-G-C. GRCh37 (hg19) VCF-style: chr17-73945809-G-C.
Other names: p.Arg490Gly; c.1354C>G, p.Arg452Gly (NM_001185039.2); c.1468C>G, p.Arg490Gly (NM_007292.6); short protein forms R452G, R490G.
Identifiers: ClinVar variation 1712138 (VCV001712138.9), dbSNP rs143601596, ClinGen allele CA8776768.

ClinVar aggregate classification (germline): Uncertain significance. Review status: criteria provided, multiple submitters, no conflicts (2 of 4 stars). 4 submissions from 4 submitters: Uncertain significance (3). 1 of the submissions does not count toward it. Last evaluated 2025-10-16.

Conditions:
ACOX1-related disorder. Also called: ACOX1-related condition; ACOX1-related disorders.
Acyl-CoA oxidase deficiency. Also called: Peroxisomal acyl-CoA oxidase deficiency; STRAIGHT-CHAIN ACYL-CoA OXIDASE DEFICIENCY; Pseudoneonatal adrenoleukodystrophy. Identifiers: Orphanet 2971, MedGen C1849678, MONDO:0009919, OMIM 264470. Disease mechanism: loss of function.

Allele frequency attached by ClinVar (database versions not stated): 1000 Genomes Project 30x 0.00016; 1000 Genomes Project 0.00020; TOPMed 0.00034; ESP Exome Variant Server 0.00046.
gnomAD v4.1: 84 of 1,614,130 alleles (0.0052%); highest among the groups gnomAD compares: African/African-American, 0.095%; no homozygotes.

Submissions (4):

Mayo Clinic Laboratories, Mayo Clinic
Classification: Uncertain significance. Last evaluated: 2025-10-16. Review status: criteria provided, single submitter. Criteria: ACMG Guidelines, 2015. Collection method: clinical testing. Allele origin: germline. Observed: 1 variant allele.

GeneDx
Classification: Uncertain significance. Last evaluated: 2025-06-11. Review status: criteria provided, single submitter. Criteria: GeneDx Variant Classification Process June 2021. Collection method: clinical testing. Allele origin: germline. Affected: yes.
Comment: Has not been previously published as pathogenic or benign to our knowledge; In silico analysis supports that this missense variant has a deleterious effect on protein structure/function

Labcorp Genetics (formerly Invitae), Labcorp
Classification: Uncertain significance for Acyl-CoA oxidase deficiency. Last evaluated: 2024-10-25. Review status: criteria provided, single submitter. Criteria: Invitae Variant Classification Sherloc (09022015). Collection method: clinical testing. Allele origin: germline.
Comment: This sequence change replaces arginine, which is basic and polar, with glycine, which is neutral and non-polar, at codon 490 of the ACOX1 protein (p.Arg490Gly). This variant is present in population databases (rs143601596, gnomAD 0.1%). This variant has not been reported in the literature in individuals affected with ACOX1-related conditions. ClinVar contains an entry for this variant (Variation ID: 1712138). Invitae Evidence Modeling of protein sequence and biophysical properties (such as structural, functional, and spatial information, amino acid conservation, physicochemical variation, residue mobility, and thermodynamic stability) indicates that this missense variant is expected to disrupt ACOX1 protein function with a positive predictive value of 80%. In summary, the available evidence is currently insufficient to determine the role of this variant in disease. Therefore, it has been classified as a Variant of Uncertain Significance.

PreventionGenetics, part of Exact Sciences
Classification: Likely benign for ACOX1-related condition. Last evaluated: 2024-08-09. Review status: no assertion criteria provided. Collection method: clinical testing. Allele origin: germline. Not counted in ClinVar's aggregate classification.
Comment: This variant is classified as likely benign based on ACMG/AMP sequence variant interpretation guidelines (Richards et al. 2015 PMID: 25741868, with internal and published modifications).